The following is an entry in ClinVar:

NC_000001.10:g.(?_225591005)_(227174438_?)del

Genes: EPHX1 (epoxide hydrolase 1; plus strand), H3-3A (H3.3 histone A; plus strand), ITPKB (inositol-trisphosphate 3-kinase B; minus strand), ACBD3 (acyl-CoA binding domain containing 3; minus strand), COQ8A (coenzyme Q8A; plus strand) and 13 more. Cytogenetic location: 1q42.12-42.13.
Variant type: Deletion.
Identifiers: ClinVar variation 3247986 (VCV003247986.1).

ClinVar aggregate classification (germline): Pathogenic (1 of 4 stars; one submission).

Submission:

Labcorp Genetics (formerly Invitae), Labcorp
Classification: Pathogenic. Last evaluated: 2024-01-18. Review status: criteria provided, single submitter. Criteria: Invitae Variant Classification Sherloc (09022015). Collection method: clinical testing. Allele origin: unknown.
Comment: A gross deletion of the genomic region encompassing the full coding sequence of the PYCR2 gene has been identified. Loss-of-function variants in PYCR2 are known to be pathogenic (PMID: 25865492, 27860360). The boundaries of this event are unknown as they extend beyond the assayed region for this gene and therefore may encompass additional genes. A similar copy number variant has been observed in individual(s) with clinical features of PYCR2-related conditions (PMID: 36137615). For these reasons, this variant has been classified as Pathogenic.

Literature cited by the submitters: PubMed 25865492; PubMed 27860360; PubMed 36137615.